The following is an entry in ClinVar:

ClinVar aggregate classification (germline): Uncertain significance. Review status: criteria provided, multiple submitters, no conflicts (2 of 4 stars). 2 submissions from 2 submitters: Uncertain significance (2). Last evaluated 2025-12-02.

Conditions:
Finnish congenital nephrotic syndrome (NPHS1). Also called: NEPHROTIC SYNDROME, TYPE 1. Identifiers: Orphanet 839, MedGen C0403399, MONDO:0009732, OMIM 256300.

gnomAD v4.1: 88 of 1,550,990 alleles (0.0057%); highest among the groups gnomAD compares: South Asian, 0.032%; no homozygotes.

Submissions (3):

Institute of Human Genetics, University of Leipzig Medical Center
Classification: Uncertain significance for Finnish congenital nephrotic syndrome. Last evaluated: 2025-12-02. Review status: criteria provided, single submitter. Criteria: ACMG Guidelines, 2015. Collection method: clinical testing. Allele origin: unknown. Inheritance: Autosomal recessive inheritance. Affected: yes.
Comment: Criteria applied: PM3,PM2_SUP,PP3; Identified as compund heterozygous with NM_004646.4:c.2442C>G

Victorian Clinical Genetics Services, Murdoch Childrens Research Institute
Classification: Uncertain significance for Finnish congenital nephrotic syndrome. Last evaluated: 2024-10-22. Review status: criteria provided, single submitter. Criteria: ACMG Guidelines, 2015. Collection method: clinical testing. Allele origin: germline. Affected: yes.
Comment: This variant is classified as VUS-3B. Evidence in support of pathogenic classification: Variant is present in gnomAD <0.01 for a recessive condition (v4: 88 heterozygote(s), 0 homozygote(s)). Evidence in support of benign classification: Abnormal splicing is not predicted and nucleotide is poorly conserved. Additional information: Non-coding variant without known or predicted effect; This variant is heterozygous; This gene is associated with autosomal recessive disease; This variant has no previous evidence of pathogenicity; No published segregation evidence has been identified for this variant; No published functional evidence has been identified for this variant; No comparable intronic variants have previous evidence for pathogenicity; Loss of function is a known mechanism of disease in this gene and is associated with nephrotic syndrome, type 1 (MIM#256300).

Dr. Peter K. Rogan Lab, Western University
No classification provided (evidence only). Condition: Malignant tumor of esophagus. Review status: no classification provided. Collection method: in vitro. Allele origin: not applicable. Functional consequence: retained intron. Not counted in ClinVar's aggregate classification.

NM_004646.4(NPHS1):c.527-40G>A

Gene: NPHS1 (NPHS1 adhesion molecule, nephrin; minus strand). Cytogenetic location: 19q13.12.
Variant type: single nucleotide variant.
Coding change: c.527-40G>A on transcript NM_004646.4 (MANE Select); 40 bases into the intron before coding-DNA position 527, G replaced by A.
Molecular consequence: intron variant.
Genome position (GRCh38, 1-based): chr19:35,850,485, C>T on the plus strand (G>A on the coding strand, the complement: NPHS1 is on the minus strand). VCF-style: chr19-35850485-C-T. GRCh37 (hg19) VCF-style: chr19-36341387-C-T.
Other names: NC_000019.9:g.36341387C>T.
Identifiers: ClinVar variation 4438851 (VCV004438851.3).